The following is an entry in ClinVar:

ClinVar aggregate classification (germline): Pathogenic (1 of 4 stars; one submission).

Conditions:
Primary ciliary dyskinesia. Also called: Ciliary dyskinesia. Identifiers: Orphanet 244, MedGen C0008780, MONDO:0016575, HP:0012265.

Submission:

Labcorp Genetics (formerly Invitae), Labcorp
Classification: Pathogenic for Primary ciliary dyskinesia. Last evaluated: 2023-06-16. Review status: criteria provided, single submitter. Criteria: Invitae Variant Classification Sherloc (09022015). Collection method: clinical testing. Allele origin: germline.
Comment: For these reasons, this variant has been classified as Pathogenic. This variant has not been reported in the literature in individuals affected with CCDC39-related conditions. This variant is not present in population databases (gnomAD no frequency). This sequence change creates a premature translational stop signal (p.Val461Trpfs*8) in the CCDC39 gene. It is expected to result in an absent or disrupted protein product. Loss-of-function variants in CCDC39 are known to be pathogenic (PMID: 21131972, 23255504).

Literature cited by the submitters: PubMed 21131972; PubMed 23255504.

NM_181426.2(CCDC39):c.1381del (p.Val461fs)

Gene: CCDC39 (coiled-coil domain 39 molecular ruler complex subunit; minus strand). Cytogenetic location: 3q26.33.
Variant type: Deletion.
Coding change: c.1381del on transcript NM_181426.2 (MANE Select); coding-DNA position 1381, one base deleted (G; older notation c.1381delG).
Protein change: p.Val461fs; shifts the reading frame from valine 461.
Molecular consequence: frameshift variant.
Genome position (GRCh38, 1-based): chr3:180,647,225, C deleted on the plus strand (G on the coding strand, the reverse complement: CCDC39 is on the minus strand). VCF-style (leftmost placement, unchanged base first): chr3-180647224-AC-A. GRCh37 (hg19) VCF-style: chr3-180365012-AC-A.
Other names: short protein forms V461fs.
Identifiers: ClinVar variation 2694714 (VCV002694714.3), dbSNP rs2473808886, ClinGen allele CA2697556993.